The following is an entry in ClinVar:

NM_001401501.2(MUC16):c.38165-6A>C

Gene: MUC16 (mucin 16, cell surface associated; minus strand). Cytogenetic location: 19p13.2.
Variant type: single nucleotide variant.
Coding change: c.38165-6A>C on transcript NM_001401501.2 (MANE Select); 6 bases into the intron before coding-DNA position 38165, A replaced by C.
Molecular consequence: intron variant.
Genome position (GRCh38, 1-based): chr19:8,906,346, T>G on the plus strand (A>C on the coding strand, the complement: MUC16 is on the minus strand). VCF-style: chr19-8906346-T-G. GRCh37 (hg19) VCF-style: chr19-9017022-T-G.
Other names: c.38591-6A>C (NM_001414686.1); c.38045-6A>C (NM_001414687.1); c.37979-6A>C (NM_024690.2).
Identifiers: ClinVar variation 3037689 (VCV003037689.2), dbSNP rs199530009, ClinGen allele CA305025944.

ClinVar aggregate classification (germline): Likely benign (0 of 4 stars; one submission).

Conditions:
MUC16-related disorder. Also called: MUC16-related condition.

Submission:

PreventionGenetics, part of Exact Sciences
Classification: Likely benign for MUC16-related condition. Last evaluated: 2019-05-02. Review status: no assertion criteria provided. Collection method: clinical testing. Allele origin: germline.
Comment: This variant is classified as likely benign based on ACMG/AMP sequence variant interpretation guidelines (Richards et al. 2015 PMID: 25741868, with internal and published modifications).